The following is an entry in ClinVar:

ClinVar aggregate classification (germline): Likely benign (1 of 4 stars; one submission).

Allele frequency attached by ClinVar (database versions not stated): 1000 Genomes Project 30x 0.00344; TOPMed 0.00350; 1000 Genomes Project 0.00359.
gnomAD v4.1: 696 of 151,942 alleles (0.46%); highest among the groups gnomAD compares: South Asian, 0.98%; 2 homozygotes.

Submission:

GeneDx
Classification: Likely benign. Last evaluated: 2018-06-16. Review status: criteria provided, single submitter. Criteria: GeneDx Variant Classification (06012015). Collection method: clinical testing. Allele origin: germline. Affected: yes.
Comment: This variant is considered likely benign or benign based on one or more of the following criteria: it is a conservative change, it occurs at a poorly conserved position in the protein, it is predicted to be benign by multiple in silico algorithms, and/or has population frequency not consistent with disease.

NM_182961.4(SYNE1):c.23461-250G>A

Gene: SYNE1 (spectrin repeat containing nuclear envelope protein 1; minus strand). Cytogenetic location: 6q25.2.
Variant type: single nucleotide variant.
Coding change: c.23461-250G>A on transcript NM_182961.4 (MANE Select); 250 bases into the intron before coding-DNA position 23461, G replaced by A.
Molecular consequence: intron variant.
Genome position (GRCh38, 1-based): chr6:152,176,810, C>T on the plus strand (G>A on the coding strand, the complement: SYNE1 is on the minus strand). VCF-style: chr6-152176810-C-T. GRCh37 (hg19) VCF-style: chr6-152497945-C-T.
Other names: c.23248-250G>A (NM_033071.5); c.67-250G>A (NM_001347701.2).
Identifiers: ClinVar variation 677359 (VCV000677359.1), dbSNP rs182987677, ClinGen allele CA150191632.
Genomic context (GRCh38, chr6:152,176,810, plus strand): 5'-GTTGGGATTAAATTTTTATATAGAGGTTCTCGAAATAAATAGGATGCTGCTTCCTATTTA[C>T]TTGAAATACATATTAAAAAACAATAAAAGATAGATATAAAAAATAAAACTTAAAAGATTT-3'